The following is an entry in ClinVar:

ClinVar aggregate classification (germline): Conflicting classifications of pathogenicity. Review status: criteria provided, conflicting classifications (1 of 4 stars). 4 submissions from 4 submitters: Pathogenic (2); Likely pathogenic (1); Likely benign (1). Last evaluated 2026-05-27.

Conditions:
MLH3-related disorder. Also called: MLH3-related condition.
Colorectal cancer, hereditary nonpolyposis, type 7. Identifiers: Orphanet 144, MedGen C1858380, MONDO:0013725, OMIM 614385.

Allele frequency attached by ClinVar (database versions not stated): ExAC 0.00019; gnomAD 0.00019; gnomAD exomes 0.00024; 1000 Genomes Project 30x 0.00031; 1000 Genomes Project 0.00040.

Submissions (4):

Ambry Genetics
Classification: Pathogenic. Last evaluated: 2026-05-27. Review status: criteria provided, single submitter. Criteria: Ambry Variant Classification Scheme 2023. Collection method: clinical testing. Allele origin: germline.
Comment: The p.S1188* pathogenic mutation (also known as c.3563C>G), located in coding exon 4 of the MLH3 gene, results from a C to G substitution at nucleotide position 3563. This changes the amino acid from a serine to a stop codon within coding exon 4. This variant has been identified in the homozygous state and/or in conjunction with other MLH3 variant(s) in individual(s) with features consistent with MLH3-related polyposis (Olkinuora A et al. Genet Med, 2019 Aug;21:1868-1873). This alteration is expected to result in loss of function by premature protein truncation or nonsense-mediated mRNA decay. As such, this alteration is interpreted as a disease-causing mutation.

Center for Genomic Medicine, Rigshospitalet, Copenhagen University Hospital
Classification: Likely pathogenic. Last evaluated: 2025-03-04. Review status: criteria provided, single submitter. Criteria: ACMG Guidelines, 2015. Collection method: clinical testing. Allele origin: germline.

Blueprint Genetics
Classification: Pathogenic for MLH3-related disorders. Last evaluated: 2024-04-02. Review status: criteria provided, single submitter. Criteria: ACMG Guidelines, 2015. Collection method: clinical testing. Allele origin: germline. Affected: yes. Observed: 5 variant alleles.

Labcorp Genetics (formerly Invitae), Labcorp
Classification: Likely benign for Colorectal cancer, hereditary nonpolyposis, type 7. Last evaluated: 2023-01-31. Review status: criteria provided, single submitter. Criteria: Invitae Variant Classification Sherloc (09022015). Collection method: clinical testing. Allele origin: germline.

Literature cited by the submitters: PubMed 30573798 (cited by Ambry Genetics and Center for Genomic Medicine, Rigshospitalet, Copenhagen University Hospital).

NM_001040108.2(MLH3):c.3563C>G (p.Ser1188Ter)

Gene: MLH3 (mutL homolog 3; minus strand). Cytogenetic location: 14q24.3.
Variant type: single nucleotide variant.
Coding change: c.3563C>G on transcript NM_001040108.2 (MANE Select); coding-DNA position 3563, C replaced by G.
Protein change: p.Ser1188Ter; replaces serine 1188 with a stop codon.
Molecular consequence: nonsense.
Genome position (GRCh38, 1-based): chr14:75,039,918, G>C on the plus strand (C>G on the coding strand, the complement: MLH3 is on the minus strand). VCF-style: chr14-75039918-G-C. GRCh37 (hg19) VCF-style: chr14-75506621-G-C.
Other names: c.3563C>G, p.Ser1188Ter (NM_014381.3); short protein forms S1188*.
Identifiers: ClinVar variation 711404 (VCV000711404.17), dbSNP rs193219754, ClinGen allele CA7275454.